The following is an entry in ClinVar:

NM_000891.3(KCNJ2):c.1202A>G (p.Asp401Gly)

Gene: KCNJ2 (potassium inwardly rectifying channel subfamily J member 2; plus strand). Cytogenetic location: 17q24.3.
Variant type: single nucleotide variant.
Coding change: c.1202A>G on transcript NM_000891.3 (MANE Select); coding-DNA position 1202, A replaced by G.
Protein change: p.Asp401Gly; replaces aspartic acid 401 with glycine.
Molecular consequence: missense variant.
Genome position (GRCh38, 1-based): chr17:70,176,241, A>G. VCF-style: chr17-70176241-A-G. GRCh37 (hg19) VCF-style: chr17-68172382-A-G.
Other names: short protein forms D401G.
Identifiers: ClinVar variation 2014825 (VCV002014825.4), dbSNP rs1358172761, ClinGen allele CA400863982.

ClinVar aggregate classification (germline): Uncertain significance (1 of 4 stars; one submission).

Conditions:
Andersen Tawil syndrome (LQT7). Also called: Potassium-sensitive periodic paralysis, ventricular ectopy, and dysmorphic features; LONG QT SYNDROME 7; PERIODIC PARALYSIS, POTASSIUM-SENSITIVE CARDIODYSRHYTHMIC TYPE; ANDERSEN CARDIODYSRHYTHMIC PERIODIC PARALYSIS; Andersen Syndrome. Identifiers: Orphanet 37553, MedGen C1563715, MONDO:0008222, OMIM 170390.
Short QT syndrome type 3. Identifiers: Orphanet 51083, MedGen C1865018, MONDO:0012314, OMIM 609622.

Allele frequency attached by ClinVar (database versions not stated): gnomAD exomes below 0.00001.

Submission:

Labcorp Genetics (formerly Invitae), Labcorp
Classification: Uncertain significance for Short QT syndrome type 3; Andersen Tawil syndrome. Last evaluated: 2024-04-01. Review status: criteria provided, single submitter. Criteria: Invitae Variant Classification Sherloc (09022015). Collection method: clinical testing. Allele origin: germline.
Comment: This sequence change replaces aspartic acid, which is acidic and polar, with glycine, which is neutral and non-polar, at codon 401 of the KCNJ2 protein (p.Asp401Gly). This variant is present in population databases (no rsID available, gnomAD 0.003%). This variant has not been reported in the literature in individuals affected with KCNJ2-related conditions. ClinVar contains an entry for this variant (Variation ID: 2014825). An algorithm developed to predict the effect of missense changes on protein structure and function (PolyPhen-2) suggests that this variant is likely to be tolerated. In summary, the available evidence is currently insufficient to determine the role of this variant in disease. Therefore, it has been classified as a Variant of Uncertain Significance.